The following is an entry in ClinVar:

ClinVar aggregate classification (germline): Pathogenic (1 of 4 stars; one submission).

Conditions:
Neurofibromatosis, type 1 (NF1). Also called: Peripheral type neurofibromatosis; VON RECKLINGHAUSEN DISEASE; Neurofibromatosis, type I; NEUROFIBROMATOSIS, TYPE I, SOMATIC. Identifiers: Orphanet 636, MedGen C0027831, MONDO:0018975, OMIM 162200. Disease mechanism: loss of function.

Submission:

Labcorp Genetics (formerly Invitae), Labcorp
Classification: Pathogenic for Neurofibromatosis, type 1. Last evaluated: 2022-08-20. Review status: criteria provided, single submitter. Criteria: Invitae Variant Classification Sherloc (09022015). Collection method: clinical testing. Allele origin: germline.
Comment: This sequence change creates a premature translational stop signal (p.Glu1699*) in the NF1 gene. It is expected to result in an absent or disrupted protein product. Loss-of-function variants in NF1 are known to be pathogenic (PMID: 10712197, 23913538). This variant is not present in population databases (gnomAD no frequency). This variant has not been reported in the literature in individuals affected with NF1-related conditions. ClinVar contains an entry for this variant (Variation ID: 941924). For these reasons, this variant has been classified as Pathogenic.

Literature cited by the submitters: PubMed 10712197; PubMed 23913538.

NM_001042492.3(NF1):c.5158G>T (p.Glu1720Ter)

Gene: NF1 (neurofibromin 1; plus strand). Cytogenetic location: 17q11.2.
Variant type: single nucleotide variant.
Coding change: c.5158G>T on transcript NM_001042492.3 (MANE Select); coding-DNA position 5158, G replaced by T.
Protein change: p.Glu1720Ter; replaces glutamic acid 1720 with a stop codon.
Molecular consequence: nonsense.
Genome position (GRCh38, 1-based): chr17:31,326,142, G>T. VCF-style: chr17-31326142-G-T. GRCh37 (hg19) VCF-style: chr17-29653160-G-T.
Other names: c.5095G>T, p.Glu1699Ter (NM_000267.4); short protein forms E1720*, E1699*.
Identifiers: ClinVar variation 941924 (VCV000941924.6), dbSNP rs2069335393, ClinGen allele CA399007840.
Genomic context (GRCh38, chr17:31,326,142, plus strand): 5'-CTCAAAGGTAGCAAAAGGCTTGTTTTCATAGACTGTCCTGGGAAACTGGCTGAGCACATA[G>T]AGCATGAACAACAGAAACTACCTGCTGCCACCTTGGCTTTAGAAGAGGACCTGAAGGTAT-3'